The following is an entry in ClinVar:

ClinVar aggregate classification (germline): Uncertain significance (1 of 4 stars; one submission).

Submission:

CeGaT Center for Human Genetics Tuebingen
Classification: Uncertain significance. Last evaluated: 2025-09-01. Review status: criteria provided, single submitter. Criteria: CeGaT Center For Human Genetics Tuebingen Variant Classification Criteria Version 2. Collection method: clinical testing. Allele origin: germline. Affected: yes. Observed: 1 variant allele.
Comment: FLNA: PM2

NM_001110556.2(FLNA):c.5981A>G (p.Glu1994Gly)

Gene: FLNA (filamin A; minus strand). Cytogenetic location: Xq28.
Variant type: single nucleotide variant.
Coding change: c.5981A>G on transcript NM_001110556.2 (MANE Select); coding-DNA position 5981, A replaced by G.
Protein change: p.Glu1994Gly; replaces glutamic acid 1994 with glycine.
Molecular consequence: missense variant.
Genome position (GRCh38, 1-based): chrX:154,353,337, T>C on the plus strand (A>G on the coding strand, the complement: FLNA is on the minus strand). VCF-style: chrX-154353337-T-C. GRCh37 (hg19) VCF-style: chrX-153581705-T-C.
Other names: c.5957A>G, p.Glu1986Gly (NM_001456.4); short protein forms E1986G, E1994G.
Identifiers: ClinVar variation 4281564 (VCV004281564.7).